The following is an entry in ClinVar:

NM_001278116.2(L1CAM):c.827G>A (p.Trp276Ter)

Gene: L1CAM (L1 cell adhesion molecule; minus strand). Cytogenetic location: Xq28.
Variant type: single nucleotide variant.
Coding change: c.827G>A on transcript NM_001278116.2 (MANE Select); coding-DNA position 827, G replaced by A.
Protein change: p.Trp276Ter; replaces tryptophan 276 with a stop codon.
Molecular consequence: nonsense.
Genome position (GRCh38, 1-based): chrX:153,870,220, C>T on the plus strand (G>A on the coding strand, the complement: L1CAM is on the minus strand). VCF-style: chrX-153870220-C-T. GRCh37 (hg19) VCF-style: chrX-153135675-C-T.
Other names: c.827G>A, p.Trp276Ter (NM_000425.5, NM_024003.3); c.812G>A, p.Trp271Ter (NM_001143963.2); short protein forms W271*, W276*.
Identifiers: ClinVar variation 4686030 (VCV004686030.1).
Genomic context (GRCh38, chrX:153,870,220, plus strand): 5'-GTCTTGTTGTGGTTCTGGTAGGTGACACGGTCGGCTGGCATGGGGCCACTGGGGCGCAGC[C>T]ATTTGATGGTGGGCGTGGGACTGCCCGGGAGGCAAAGGGAAGAGAGCAGAAGGGAGAAAG-3'

ClinVar aggregate classification (germline): Pathogenic (1 of 4 stars; one submission).

Submission:

ARUP Laboratories, Molecular Genetics and Genomics, ARUP Laboratories
Classification: Pathogenic. Review status: criteria provided, single submitter. Criteria: ARUP Molecular Germline Variant Investigation Process 2024. Collection method: clinical testing. Allele origin: germline.
Comment: The L1CAM c.827G>A; p.Trp276Ter variant is not reported in the medical literature, but truncating variants at the same codon and downstream are reported in individuals with severe L1 syndrome (Gu 1996, Vos 2010). This variant is absent from the Genome Aggregation Database (v2.1.1), indicating it is not a common polymorphism. This variant induces an early termination codon and is predicted to result in a truncated protein or mRNA subject to nonsense-mediated decay. Based on available information, this variant is considered to be pathogenic. References: Gu SM et al. Five novel mutations in the L1CAM gene in families with X linked hydrocephalus. J Med Genet. 1996 Feb;33(2):103-6. PMID: 8929944. Vos et al. Genotype-phenotype correlations in L1 syndrome: a guide for genetic counselling and mutation analysis. J Med Genet. 2010 Mar;47(3):169-75. PMID: 19846429.